The following is an entry in ClinVar:

NM_000059.4(BRCA2):c.7948G>A (p.Glu2650Lys)

Gene: BRCA2 (BRCA2 DNA repair associated; plus strand). Cytogenetic location: 13q13.1.
Variant type: single nucleotide variant.
Coding change: c.7948G>A on transcript NM_000059.4 (MANE Select); coding-DNA position 7948, G replaced by A.
Protein change: p.Glu2650Lys; replaces glutamic acid 2650 with lysine.
Molecular consequence: missense variant.
Genome position (GRCh38, 1-based): chr13:32,362,665, G>A. VCF-style: chr13-32362665-G-A. GRCh37 (hg19) VCF-style: chr13-32936802-G-A.
Other names: short protein forms E2650K.
Identifiers: ClinVar variation 956409 (VCV000956409.12), dbSNP rs2072748397, ClinGen allele CA387747237.
Genomic context (GRCh38, chr13:32,362,665, plus strand): 5'-AAACTGGCAGCTATGGAATGTGCCTTTCCTAAGGAATTTGCTAATAGATGCCTAAGCCCA[G>A]AAAGGGTGCTTCTTCAACTAAAATACAGGCAAGTTTAAAGCATTACATTACGTAATCATA-3'
Protein context (NP_000050.3, residues 2640-2660): KEFANRCLSP[Glu2650Lys]RVLLQLKYRY

ClinVar aggregate classification (germline): Uncertain significance. Review status: criteria provided, multiple submitters, no conflicts (2 of 4 stars). 2 submissions from 2 submitters: Uncertain significance (2). Last evaluated 2021-03-15.

Conditions:
Hereditary breast ovarian cancer syndrome. Also called: Hereditary breast and ovarian cancer; Hereditary breast and/or ovarian cancer syndrome; Hereditary breast and ovarian cancer syndrome; Hereditary breast and ovarian cancer syndrome (HBOC); Breast and ovarian cancer; BRCA1- and BRCA2-Associated Hereditary Breast and Ovarian Cancer. Identifiers: Orphanet 145, MedGen C0677776, MeSH D061325, MONDO:0003582. Disease mechanism: loss of function.
Hereditary cancer-predisposing syndrome. Also called: Hereditary neoplastic syndrome; Tumor predisposition; Neoplastic Syndromes, Hereditary; Hereditary Cancer Syndrome. Identifiers: Orphanet 140162, MedGen C0027672, MeSH D009386, MONDO:0015356.

Allele frequency attached by ClinVar (database versions not stated): gnomAD exomes below 0.00001.
gnomAD v4.1: 1 of 1,614,176 alleles (0.000062%); highest among the groups gnomAD compares: Non-Finnish European, 0.000085%; no homozygotes.

Submissions (2):

Color Diagnostics, LLC DBA Color Health
Classification: Uncertain significance for Hereditary cancer-predisposing syndrome. Last evaluated: 2021-03-15. Review status: criteria provided, single submitter. Criteria: ACMG Guidelines, 2015. Collection method: clinical testing. Allele origin: germline.
Comment: This missense variant replaces glutamic acid with lysine at codon 2650 of the BRCA2 protein. Computational prediction is inconclusive regarding the impact of this variant on protein structure and function (internally defined REVEL score threshold 0.5 < inconclusive < 0.7, PMID: 27666373). To our knowledge, functional studies have not been reported for this variant. This variant has not been reported in individuals affected with hereditary cancer in the literature. This variant has not been identified in the general population by the Genome Aggregation Database (gnomAD). The available evidence is insufficient to determine the role of this variant in disease conclusively. Therefore, this variant is classified as a Variant of Uncertain Significance.

Labcorp Genetics (formerly Invitae), Labcorp
Classification: Uncertain significance for Hereditary breast ovarian cancer syndrome. Last evaluated: 2019-11-14. Review status: criteria provided, single submitter. Criteria: Invitae Variant Classification Sherloc (09022015). Collection method: clinical testing. Allele origin: germline.
Comment: In summary, the available evidence is currently insufficient to determine the role of this variant in disease. Therefore, it has been classified as a Variant of Uncertain Significance. This sequence change replaces glutamic acid with lysine at codon 2650 of the BRCA2 protein (p.Glu2650Lys). The glutamic acid residue is highly conserved and there is a small physicochemical difference between glutamic acid and lysine. This variant is not present in population databases (ExAC no frequency). This variant has not been reported in the literature in individuals with BRCA2-related conditions. Algorithms developed to predict the effect of missense changes on protein structure and function are either unavailable or do not agree on the potential impact of this missense change (SIFT: "Deleterious"; PolyPhen-2: "Probably Damaging"; Align-GVGD: "Class C15").